The following is an entry in ClinVar:

NM_000536.4(RAG2):c.802A>C (p.Asn268His)

Gene: RAG2 (recombination activating 2; minus strand). Cytogenetic location: 11p12.
Variant type: single nucleotide variant.
Coding change: c.802A>C on transcript NM_000536.4 (MANE Select); coding-DNA position 802, A replaced by C.
Protein change: p.Asn268His; replaces asparagine 268 with histidine.
Molecular consequence: missense variant.
Genome position (GRCh38, 1-based): chr11:36,593,367, T>G on the plus strand (A>C on the coding strand, the complement: RAG2 is on the minus strand). VCF-style: chr11-36593367-T-G. GRCh37 (hg19) VCF-style: chr11-36614917-T-G.
Other names: c.802A>C, p.Asn268His (NM_001243785.2, NM_001243786.2); short protein forms N268H.
Identifiers: ClinVar variation 1009021 (VCV001009021.9), dbSNP rs1851075681, ClinGen allele CA380142081.

ClinVar aggregate classification (germline): Uncertain significance. Review status: criteria provided, single submitter (1 of 4 stars). 2 submissions from 2 submitters: Uncertain significance (1). 1 of the submissions does not count toward it. Last evaluated 2020-10-18.

Conditions:
Histiocytic medullary reticulosis. Also called: SEVERE COMBINED IMMUNODEFICIENCY WITH HYPEREOSINOPHILIA; Omenn syndrome. Identifiers: Orphanet 39041, MedGen C2700553, MONDO:0011338, OMIM 603554.
Severe combined immunodeficiency, autosomal recessive, T cell-negative, B cell-negative, NK cell-positive. Also called: SCID, T CELL-NEGATIVE, B CELL-NEGATIVE, NK CELL-POSITIVE; SCID, AR, T-cell negative, B-cell negative, NK cell-positive; Severe combined immunodeficiency due to complete RAG1/2 deficiency. Identifiers: Orphanet 331206, MedGen C1832322, MONDO:0011086, OMIM 601457.
Combined immunodeficiency with skin granulomas. Identifiers: Orphanet 157949, MedGen C2673536, MONDO:0009306, OMIM 233650.

Submissions (2):

Labcorp Genetics (formerly Invitae), Labcorp
Classification: Uncertain significance for Combined immunodeficiency with skin granulomas; Severe combined immunodeficiency, autosomal recessive, T cell-negative, B cell-negative, NK cell-positive. Last evaluated: 2020-10-18. Review status: criteria provided, single submitter. Criteria: Invitae Variant Classification Sherloc (09022015). Collection method: clinical testing. Allele origin: germline.
Comment: This sequence change replaces asparagine with histidine at codon 268 of the RAG2 protein (p.Asn268His). The asparagine residue is moderately conserved and there is a small physicochemical difference between asparagine and histidine. This variant is not present in population databases (ExAC no frequency). This variant has not been reported in the literature in individuals with RAG2-related conditions. Advanced modeling of protein sequence and biophysical properties (such as structural, functional, and spatial information, amino acid conservation, physicochemical variation, residue mobility, and thermodynamic stability) performed at Invitae indicates that this missense variant is not expected to disrupt RAG2 protein function. In summary, the available evidence is currently insufficient to determine the role of this variant in disease. Therefore, it has been classified as a Variant of Uncertain Significance.

Natera, Inc.
Classification: Uncertain significance for Omenn syndrome. Last evaluated: 2021-01-05. Review status: no assertion criteria provided. Collection method: clinical testing. Allele origin: germline. Not counted in ClinVar's aggregate classification.